The following is an entry in ClinVar:

NM_001367624.2(ZNF469):c.11806T>C (p.Phe3936Leu)

Gene: ZNF469 (zinc finger protein 469; plus strand). Cytogenetic location: 16q24.2.
Variant type: single nucleotide variant.
Coding change: c.11806T>C on transcript NM_001367624.2 (MANE Select); coding-DNA position 11806, T replaced by C.
Protein change: p.Phe3936Leu; replaces phenylalanine 3936 with leucine.
Molecular consequence: missense variant.
Genome position (GRCh38, 1-based): chr16:88,439,276, T>C. VCF-style: chr16-88439276-T-C. GRCh37 (hg19) VCF-style: chr16-88505684-T-C.
Other names: NM_001127464.1:c.11722T>C; short protein forms F3936L.
Identifiers: ClinVar variation 3232754 (VCV003232754.1), dbSNP rs2507610162, ClinGen allele CA397131301.

ClinVar aggregate classification (germline): Uncertain significance (1 of 4 stars; one submission).

Conditions:
Cardiovascular phenotype. Identifiers: MedGen CN230736.

Submission:

Ambry Genetics
Classification: Uncertain significance for Cardiovascular phenotype. Last evaluated: 2024-01-29. Review status: criteria provided, single submitter. Criteria: Ambry Variant Classification Scheme 2023. Collection method: clinical testing. Allele origin: germline.
Comment: The p.F3908L variant (also known as c.11722T>C), located in coding exon 2 of the ZNF469 gene, results from a T to C substitution at nucleotide position 11722. The phenylalanine at codon 3908 is replaced by leucine, an amino acid with highly similar properties. This amino acid position is conserved. In addition, this alteration is predicted to be tolerated by in silico analysis. Based on the available evidence, the clinical significance of this alteration remains unclear.